The following is an entry in ClinVar:

ClinVar aggregate classification (germline): other (0 of 4 stars; one submission).

Conditions:
Familial colorectal cancer. Identifiers: MedGen CN280943, MONDO:0023113. Disease mechanism: loss of function.

Allele frequency attached by ClinVar (database versions not stated): gnomAD 0.98102 and 0.98147; TOPMed 0.98228; 1000 Genomes Project 30x 0.99063; 1000 Genomes Project 0.99101.
gnomAD v4.1: 149,204 of 152,042 alleles (98%); highest among the groups gnomAD compares: East Asian, 100%; 73,216 homozygotes.

Submission:

Systems Biology Platform Zhejiang California International NanoSystems Institute
Classification: other for Familial colorectal cancer. Review status: no assertion criteria provided. Collection method: not provided. Allele origin: unknown.
ClinVar note: Converted during submission from cancer to other.

NM_000038.6(APC):c.730-1909T>C

Gene: APC (APC regulator of WNT signaling pathway; plus strand). Cytogenetic location: 5q22.2.
Variant type: single nucleotide variant.
Coding change: c.730-1909T>C on transcript NM_000038.6 (MANE Select); 1909 bases into the intron before coding-DNA position 730, T replaced by C.
Molecular consequence: intron variant.
Genome position (GRCh38, 1-based): chr5:112,799,370, T>C. VCF-style: chr5-112799370-T-C. GRCh37 (hg19) VCF-style: chr5-112135067-T-C.
Other names: c.730-1909T>C (NM_001354895.2, NM_001127510.3, NM_001354896.2 and 1 more transcripts); c.760-1909T>C (NM_001354897.2, NM_001354902.2); c.676-1909T>C (NM_001127511.3); c.655-1909T>C (NM_001354898.2, NM_001354904.2); c.-306-1909T>C (NM_001354906.2); c.646-1909T>C (NM_001354899.2); c.553-1909T>C (NM_001354900.2, NM_001354901.2, NM_001354905.2).
Identifiers: ClinVar variation 83030 (VCV000083030.2), dbSNP rs517947, ClinGen allele CA013418.
Genomic context (GRCh38, chr5:112,799,370, plus strand): 5'-AGTATTACCTATCTCTGTGAGGAGTAGCACCATCATTATTGAATTGTGTGAGCTAAGGAA[T>C]GTAGGAGTAATACTCCACACCAGACCTCTTCCTCCACTCCCCATATCCTGTCAGCGAACC-3'